The following is an entry in ClinVar:

ClinVar aggregate classification (germline): Conflicting classifications of pathogenicity. Review status: criteria provided, conflicting classifications (1 of 4 stars). 2 submissions from 2 submitters: Likely pathogenic (1); Uncertain significance (1). Last evaluated 2024-11-21.

Allele frequency attached by ClinVar (database versions not stated): gnomAD exomes 0.00001.
gnomAD v4.1: 22 of 1,612,856 alleles (0.0014%); highest among the groups gnomAD compares: Non-Finnish European, 0.0018%; no homozygotes.

Submissions (2):

GeneDx
Classification: Likely pathogenic. Last evaluated: 2024-11-21. Review status: criteria provided, single submitter. Criteria: GeneDx Variant Classification Process June 2021. Collection method: clinical testing. Allele origin: germline. Affected: yes.
Comment: Published functional studies demonstrate a damaging effect on ferritin assembly and increases proteasomal degradation (PMID: 37867341); Observed in homozygous state in a patient with very low serum ferritin, a walking disability, muscular pains, and facial contractures and observed in heterozygous state in three siblings and both parents with low ferritin levels (PMID: 37867341); Not observed at significant frequency in large population cohorts (gnomAD); In silico analysis supports that this missense variant has a deleterious effect on protein structure/function; This variant is associated with the following publications: (PMID: Cunat2019[Abstract], 37867341)

CeGaT Center for Human Genetics Tuebingen
Classification: Uncertain significance. Last evaluated: 2018-07-01. Review status: criteria provided, single submitter. Criteria: CeGaT Center For Human Genetics Tuebingen Variant Classification Criteria Version 2. Collection method: clinical testing. Allele origin: germline. Affected: yes. Observed: 2 variant alleles.

NM_000146.4(FTL):c.92A>G (p.Tyr31Cys)

Gene: FTL (ferritin light chain; plus strand). Cytogenetic location: 19q13.33.
Variant type: single nucleotide variant.
Coding change: c.92A>G on transcript NM_000146.4 (MANE Select); coding-DNA position 92, A replaced by G.
Protein change: p.Tyr31Cys; replaces tyrosine 31 with cysteine.
Molecular consequence: missense variant.
Genome position (GRCh38, 1-based): chr19:48,965,599, A>G. VCF-style: chr19-48965599-A-G. GRCh37 (hg19) VCF-style: chr19-49468856-A-G.
Other names: c.92A>G (NM_000146.3); short protein forms Y31C.
Identifiers: ClinVar variation 493265 (VCV000493265.44), dbSNP rs1555796994, ClinGen allele CA406755851.